The following is an entry in ClinVar:

NM_031844.3(HNRNPU):c.1912+17_1912+18del

Gene: HNRNPU (heterogeneous nuclear ribonucleoprotein U; minus strand). Cytogenetic location: 1q44.
Variant type: Deletion.
Coding change: c.1912+17_1912+18del on transcript NM_031844.3 (MANE Select); bases 17 to 18 of the intron after coding-DNA position 1912, 2 bases deleted (CT; older notation c.1912+17_1912+18delCT).
Molecular consequence: intron variant.
Genome position (GRCh38, 1-based): chr1:244,856,439-244,856,440, AG deleted on the plus strand (CT on the coding strand, the reverse complement: HNRNPU is on the minus strand); deleting any 2 consecutive bases within chr1:244,856,439-244,856,441 gives the same sequence; the c. name uses the placement nearest the transcript's 3' end. VCF-style (leftmost placement, unchanged base first): chr1-244856438-CAG-C. GRCh37 (hg19) VCF-style: chr1-245019740-CAG-C.
Other names: c.1855+17_1855+18del (NM_004501.3); c.1912+17_1912+18delCT (NM_031844.3).
Identifiers: ClinVar variation 4688788 (VCV004688788.2).

ClinVar aggregate classification (germline): Likely benign. Review status: criteria provided, multiple submitters, no conflicts (2 of 4 stars). 2 submissions from 2 submitters: Likely benign (2). Last evaluated 2025-12-31.

Submissions (2):

Women's Health and Genetics/Laboratory Corporation of America, LabCorp
Classification: Likely benign. Last evaluated: 2025-12-31. Review status: criteria provided, single submitter. Criteria: LabCorp Variant Classification Summary - May 2015. Collection method: clinical testing. Allele origin: germline.
Comment: Variant summary: HNRNPU c.1912+17_1912+18delCT alters a non-conserved nucleotide located at a position not widely known to affect splicing. Consensus agreement among computation tools predict no significant impact on normal splicing. However, these predictions have yet to be confirmed by functional studies. The variant allele was found at a frequency of 4.2e-06 in 240800 control chromosomes. The available data on variant occurrences in the general population are insufficient to allow any conclusion about variant significance. To our knowledge, no occurrence of c.1912+17_1912+18delCT in individuals affected with HNRNPU-related conditions and no experimental evidence demonstrating its impact on protein function have been reported. No submitters have cited clinical-significance assessments for this variant to ClinVar. Based on the evidence outlined above, the variant was classified as likely benign.

Blueprint Genetics
Classification: Likely benign. Last evaluated: 2019-01-30. Review status: criteria provided, single submitter. Criteria: ACMG Guidelines, 2015. Collection method: clinical testing. Allele origin: germline.